The following is an entry in ClinVar:

ClinVar aggregate classification (germline): Uncertain significance (1 of 4 stars; one submission).

Submission:

Labcorp Genetics (formerly Invitae), Labcorp
Classification: Uncertain significance. Last evaluated: 2022-09-25. Review status: criteria provided, single submitter. Criteria: Invitae Variant Classification Sherloc (09022015). Collection method: clinical testing. Allele origin: germline.
Comment: In summary, the available evidence is currently insufficient to determine the role of this variant in disease. Therefore, it has been classified as a Variant of Uncertain Significance. This sequence change inserts a large fragment of DNA, likely a transposable element, in exon 7 of the APPL1 gene (c.432_433ins?), causing a frameshift at codon 145 (p.Asn145fs). The exact size and sequence of the insertion cannot be determined by the current assay. However, the insertion is expected to result in an absent or disrupted protein product. This variant is not present in population databases (gnomAD no frequency). This variant has not been reported in the literature in individuals affected with APPL1-related conditions. Retrotransposon insertions including LINE1 (L1), Alu, and SVA (SINE-VNTR-Alu) have been reported to disrupt protein function (PMID: 19763152, 20307669, 22406018). However the effect of this particular variant is unknown.

Literature cited by the submitters: PubMed 19763152; PubMed 20307669; PubMed 22406018.

NM_012096.3(APPL1):c.432_433insTTTTTTTTTTTTTTTTTTTTNNNNNNNNNNACCTTGTGATCCACCCACCTCGGCCTCCCAAAGTGCTGGGATTACAGGCGTGAGCCACCGCTCCCGGCCCCCCGATGCTGCGATT (p.Asn145delinsPhePhePhePhePhePheXaaXaaXaaXaaThrLeuTer)

Gene: APPL1 (adaptor protein, phosphotyrosine interacting with PH domain and leucine zipper 1; plus strand). Cytogenetic location: 3p14.3.
Variant type: Insertion.
Coding change: c.432_433insTTTTTTTTTTTTTTTTTTTTNNNNNNNNNNACCTTGTGATCCACCCACCTCGGCCTCCCAAAGTGCTGGGATTACAGGCGTGAGCCACCGCTCCCGGCCCCCCGATGCTGCGATT on transcript NM_012096.3 (MANE Select); coding-DNA positions 432 to 433, TTTTTTTTTTTTTTTTTTTTNNNNNNNNNNACCTTGTGATCCACCCACCTCGGCCTCCCAAAGTGCTGGGATTACAGGCGTGAGCCACCGCTCCCGGCCCCCCGATGCTGCGATT inserted.
Protein change: p.Asn145delinsPhePhePhePhePhePheXaaXaaXaaXaaThrLeuTer.
Molecular consequence: nonsense.
Genome position: GRCh38: chr3:57,242,872-57,242,873. GRCh37 (hg19): chr3:57,276,900-57,276,901.
Identifiers: ClinVar variation 2032612 (VCV002032612.4), dbSNP rs2528771879.